The following is an entry in ClinVar:

NM_001017995.3(SH3PXD2B):c.329C>G (p.Pro110Arg)

Gene: SH3PXD2B (SH3 and PX domains 2B; minus strand). Cytogenetic location: 5q35.1.
Variant type: single nucleotide variant.
Coding change: c.329C>G on transcript NM_001017995.3 (MANE Select); coding-DNA position 329, C replaced by G.
Protein change: p.Pro110Arg; replaces proline 110 with arginine.
Molecular consequence: missense variant.
Genome position (GRCh38, 1-based): chr5:172,382,108, G>C on the plus strand (C>G on the coding strand, the complement: SH3PXD2B is on the minus strand). VCF-style: chr5-172382108-G-C. GRCh37 (hg19) VCF-style: chr5-171809112-G-C.
Other names: c.329C>G, p.Pro110Arg (NM_001308175.2); c.329C>G (NM_001017995.2); short protein forms P110R.
Identifiers: ClinVar variation 1519345 (VCV001519345.9), dbSNP rs776745582, ClinGen allele CA3561590.

ClinVar aggregate classification (germline): Uncertain significance. Review status: criteria provided, multiple submitters, no conflicts (2 of 4 stars). 2 submissions from 2 submitters: Uncertain significance (2). Last evaluated 2026-01-26.

Conditions:
Inborn genetic diseases. Identifiers: MedGen C0950123, MeSH D030342.

Allele frequency attached by ClinVar (database versions not stated): gnomAD exomes 0.00004; ExAC 0.00009.
gnomAD v4.1: 39 of 1,608,922 alleles (0.0024%); highest among the groups gnomAD compares: Non-Finnish European, 0.0031%; no homozygotes.

Submissions (2):

Labcorp Genetics (formerly Invitae), Labcorp
Classification: Uncertain significance. Last evaluated: 2026-01-26. Review status: criteria provided, single submitter. Criteria: Invitae Variant Classification Sherloc (09022015). Collection method: clinical testing. Allele origin: germline.
Comment: This sequence change replaces proline, which is neutral and non-polar, with arginine, which is basic and polar, at codon 110 of the SH3PXD2B protein (p.Pro110Arg). This variant is present in population databases (rs776745582, gnomAD 0.009%). This variant has not been reported in the literature in individuals affected with SH3PXD2B-related conditions. ClinVar contains an entry for this variant (Variation ID: 1519345). An algorithm developed to predict the effect of missense changes on protein structure and function (PolyPhen-2) suggests that this variant is likely to be disruptive. In summary, the available evidence is currently insufficient to determine the role of this variant in disease. Therefore, it has been classified as a Variant of Uncertain Significance.

Ambry Genetics
Classification: Uncertain significance for Inborn genetic diseases. Last evaluated: 2023-02-10. Review status: criteria provided, single submitter. Criteria: Ambry Variant Classification Scheme 2023. Collection method: clinical testing. Allele origin: germline.